The following is an entry in ClinVar:

ClinVar aggregate classification (germline): Conflicting classifications of pathogenicity. Review status: criteria provided, conflicting classifications (1 of 4 stars). 8 submissions from 8 submitters: Uncertain significance (5); Likely benign (3). Last evaluated 2026-02-05.

Conditions:
Long QT syndrome (LQTS). Identifiers: MedGen C0023976, MeSH D008133, MONDO:0002442. Disease mechanism: loss of function. Inheritance: Various modes of inheritance.
Cardiovascular phenotype. Identifiers: MedGen CN230736.
Cardiac arrhythmia, ankyrin-B-related. Also called: ANKYRIN-B SYNDROME. Identifiers: Orphanet 101016, Orphanet 768, MedGen C1970119, MONDO:0010958, OMIM 600919.

Allele frequency attached by ClinVar (database versions not stated): ExAC 0.00012; TOPMed 0.00016; gnomAD 0.00017 and 0.00019; ESP Exome Variant Server 0.00031; 1000 Genomes Project 30x 0.00047; 1000 Genomes Project 0.00060.
gnomAD v4.1: 102 of 1,614,088 alleles (0.0063%); highest among the groups gnomAD compares: African/African-American, 0.053%; 1 homozygote.

Submissions (8):

Dasa
Classification: Uncertain significance. Last evaluated: 2026-02-05. Review status: criteria provided, single submitter. Criteria: DASA Assertion Criteria. Collection method: clinical testing. Allele origin: germline.
Comment: NM_001148.6(ANK2):c.7148C>T (p.Pro2383Leu) is a missense variant that results in the substitution of proline with leucine. This variant has been recurrently observed in individuals with ANK2-related disorders (PMID: 36693943; PMID: 35947370; PMID: 28255936). Also, this variant is rare in population databases. Computational prediction algorithms are consistent with a benign effect. The currently available literature and clinical evidence are not sufficient to establish a definitive association between this variant and the reported condition. Therefore, this variant is classified as a variant of uncertain significance.

Labcorp Genetics (formerly Invitae), Labcorp
Classification: Uncertain significance for Long QT syndrome. Last evaluated: 2026-01-26. Review status: criteria provided, single submitter. Criteria: Invitae Variant Classification Sherloc (09022015). Collection method: clinical testing. Allele origin: germline.
Comment: This sequence change replaces proline, which is neutral and non-polar, with leucine, which is neutral and non-polar, at codon 2383 of the ANK2 protein (p.Pro2383Leu). This variant is present in population databases (rs35960628, gnomAD 0.07%), and has an allele count higher than expected for a pathogenic variant. This missense change has been observed in individual(s) with sudden cardiac death (PMID: 25447171, 36693943). ClinVar contains an entry for this variant (Variation ID: 642356). An algorithm developed to predict the effect of missense changes on protein structure and function (PolyPhen-2) suggests that this variant is likely to be tolerated. In summary, the available evidence is currently insufficient to determine the role of this variant in disease. Therefore, it has been classified as a Variant of Uncertain Significance.

Women's Health and Genetics/Laboratory Corporation of America, LabCorp
Classification: Likely benign. Last evaluated: 2023-12-04. Review status: criteria provided, single submitter. Criteria: LabCorp Variant Classification Summary - May 2015. Collection method: clinical testing. Allele origin: germline.
Comment: Variant summary: ANK2 c.7148C>T (p.Pro2383Leu) results in a non-conservative amino acid change in the encoded protein sequence. Four of five in-silico tools predict a benign effect of the variant on protein function. The variant allele was found at a frequency of 6.3e-05 in 1614088 control chromosomes in the gnomAD database, including 1 homozygotes. The observed variant frequency is approximately 9.48 fold of the estimated maximal expected allele frequency for a pathogenic variant in ANK2 causing Long QT Syndrome phenotype (6.7e-06), strongly suggesting that the variant is benign. c.7148C>T has been reported in the literature in an individual with sudden cardiac death, without strong evidence for causality (Campuzano_2014). This report does not provide unequivocal conclusions about association of the variant with Long QT Syndrome. To our knowledge, no experimental evidence demonstrating an impact on protein function has been reported. The following publication have been ascertained in the context of this evaluation (PMID: 25447171). Five submitters have cited clinical-significance assessments for this variant to ClinVar after 2014. Four submitters classified the variant as VUS while one classified as likely benign. Based on the evidence outlined above, the variant was classified as likely benign.

Blueprint Genetics
Classification: Likely benign. Last evaluated: 2023-02-27. Review status: criteria provided, single submitter. Criteria: ACMG Guidelines, 2015. Collection method: clinical testing. Allele origin: germline.

GeneDx
Classification: Uncertain significance. Last evaluated: 2022-04-20. Review status: criteria provided, single submitter. Criteria: GeneDx Variant Classification Process June 2021. Collection method: clinical testing. Allele origin: germline. Affected: yes.
Comment: Reported in a patient with sudden cardiac death who harbored multiple cardiogenetic variants (Campuzano et al., 2014); Located in exon 38, which is reported as being expressed in a brain-specific transcript (Otto et al, 1991; Cunha et al, 2008; Wu et al, 2015); In silico analysis supports that this missense variant does not alter protein structure/function; This variant is associated with the following publications: (PMID: 27930701, 25447171)

Fulgent Genetics
Classification: Uncertain significance for Cardiac arrhythmia, ankyrin-B-related. Last evaluated: 2021-09-21. Review status: criteria provided, single submitter. Criteria: ACMG Guidelines, 2015. Collection method: clinical testing. Allele origin: unknown.

Ambry Genetics
Classification: Likely benign for Cardiovascular phenotype. Last evaluated: 2019-06-13. Review status: criteria provided, single submitter. Criteria: Ambry Variant Classification Scheme 2023. Collection method: clinical testing. Allele origin: germline.

Center for Genomics, Ann and Robert H. Lurie Children's Hospital of Chicago
Classification: Uncertain significance for Cardiac arrhythmia, ankyrin-B-related. Review status: criteria provided, single submitter. Criteria: ACMG Guidelines, 2015. Collection method: clinical testing. Allele origin: germline.
Comment: ANK2 NM_001148.4 exon 38 p.Pro2383Leu (c.7148C>T): This variant has been reported in the literature in 1 individual with sudden death, (Campuzano 2014 PMID:25447171). This variant is present in 0.06% (17/24956) of African alleles in the Genome Aggregation Database. This variant is present in ClinVar (Variation ID:642356). This variant amino acid Leucine (Leu) is present in 3 species (Marmoset, Chinchilla, Brush-Tailed Rat) and is not well conserved among evolutionarily distant species; this suggests that this variant may not impact the protein. Additional computational prediction tools are unclear. In summary, data on this variant is insufficient for disease classification. Therefore, the clinical significance of this variant is uncertain.

Literature cited by the submitters: PubMed 36693943 (cited by Dasa and Labcorp Genetics (formerly Invitae), Labcorp); PubMed 35947370 (cited by Dasa); PubMed 28255936 (cited by Dasa); PubMed 25447171 (cited by 3 submitters).

NM_001148.6(ANK2):c.7148C>T (p.Pro2383Leu)

Genes: ANK2 (ankyrin 2; plus strand), LOC126807137 (CDK7 strongly-dependent group 2 enhancer GRCh37_chr4:114276560-114277759; plus strand). Cytogenetic location: 4q26.
Variant type: single nucleotide variant.
Coding change: c.7148C>T on transcript NM_001148.6 (MANE Select); coding-DNA position 7148, C replaced by T.
Protein change: p.Pro2383Leu; replaces proline 2383 with leucine.
Molecular consequence: missense variant. On other transcripts: intron variant (68).
Genome position (GRCh38, 1-based): chr4:113,355,766, C>T. VCF-style: chr4-113355766-C-T. GRCh37 (hg19) VCF-style: chr4-114276922-C-T.
Other names: c.6914C>T, p.Pro2305Leu (NM_001386142.1); c.3548C>T, p.Pro1183Leu (NM_001386166.1); c.7289C>T, p.Pro2430Leu (NM_001386174.1); c.7265C>T, p.Pro2422Leu (NM_001386175.1); c.4412-5057C>T (NM_001386186.2, NM_001386148.2); c.4214-5057C>T (NM_001354269.3); c.4292-5057C>T (NM_001386187.2); c.4253-5057C>T (NM_001386147.1); and 35 more; short protein forms P2383L, P1183L, P2305L, P2422L, P2430L.
Identifiers: ClinVar variation 642356 (VCV000642356.16), dbSNP rs35960628, ClinGen allele CA3051543.